The following is an entry in ClinVar:

ClinVar aggregate classification (germline): Uncertain significance (1 of 4 stars; one submission).

Submission:

GeneDx
Classification: Uncertain significance. Last evaluated: 2019-04-23. Review status: criteria provided, single submitter. Criteria: GeneDx Variant Classification Process June 2021. Collection method: clinical testing. Allele origin: germline. Affected: yes.
Comment: Not observed in large population cohorts (Lek et al., 2016); In silico analysis, which includes protein predictors and evolutionary conservation, supports a deleterious effect; Has not been previously published as pathogenic or benign to our knowledge

NM_006766.5(KAT6A):c.5366C>G (p.Thr1789Arg)

Gene: KAT6A (lysine acetyltransferase 6A; minus strand). Cytogenetic location: 8p11.21.
Variant type: single nucleotide variant.
Coding change: c.5366C>G on transcript NM_006766.5 (MANE Select); coding-DNA position 5366, C replaced by G.
Protein change: p.Thr1789Arg; replaces threonine 1789 with arginine.
Molecular consequence: missense variant.
Genome position (GRCh38, 1-based): chr8:41,932,854, G>C on the plus strand (C>G on the coding strand, the complement: KAT6A is on the minus strand). VCF-style: chr8-41932854-G-C. GRCh37 (hg19) VCF-style: chr8-41790372-G-C.
Other names: short protein forms T1789R.
Identifiers: ClinVar variation 1305371 (VCV001305371.2), dbSNP rs1488170324, ClinGen allele CA371062704.